The following is an entry in ClinVar:

NM_024675.4(PALB2):c.909C>T (p.Leu303=)

Gene: PALB2 (partner and localizer of BRCA2; minus strand). Cytogenetic location: 16p12.2.
Variant type: single nucleotide variant.
Coding change: c.909C>T on transcript NM_024675.4 (MANE Select); coding-DNA position 909, C replaced by T.
Protein change: p.Leu303=; no amino-acid change (leucine 303 retained).
Molecular consequence: synonymous variant.
Genome position (GRCh38, 1-based): chr16:23,635,637, G>A on the plus strand (C>T on the coding strand, the complement: PALB2 is on the minus strand). VCF-style: chr16-23635637-G-A. GRCh37 (hg19) VCF-style: chr16-23646958-G-A.
Other names: p.L303L:CTC>CTT.
Identifiers: ClinVar variation 126778 (VCV000126778.71), dbSNP rs145788619, ClinGen allele CA292656.

ClinVar aggregate classification (germline): Benign/Likely benign. Review status: criteria provided, multiple submitters, no conflicts (2 of 4 stars). 18 submissions from 18 submitters: Benign (4); Likely benign (8). 6 of the submissions do not count toward it. Last evaluated 2026-05-01.

Conditions:
Hereditary cancer-predisposing syndrome. Also called: Tumor predisposition; Hereditary neoplastic syndrome; Neoplastic Syndromes, Hereditary; Hereditary Cancer Syndrome. Identifiers: Orphanet 140162, MedGen C0027672, MeSH D009386, MONDO:0015356.
Familial cancer of breast. Also called: Hereditary breast cancer; hereditary breast carcinoma; BREAST CANCER, FAMILIAL. Identifiers: Orphanet 227535, MedGen C0346153, MONDO:0016419, OMIM 114480. Disease mechanism: loss of function.
Fanconi anemia complementation group N. Also called: PALB2-Related Fanconi Anemia. Identifiers: Orphanet 84, MedGen C1835817, MONDO:0012565, OMIM 610832. Disease mechanism: loss of function.
Malignant tumor of breast. Also called: Malignant breast neoplasm; Cancer breast. Identifiers: MedGen C0006142, MONDO:0007254. Disease mechanism: loss of function.

Allele frequency attached by ClinVar (database versions not stated): gnomAD exomes 0.00010 and 0.00029; ExAC 0.00034; gnomAD 0.00098 and 0.00101; TOPMed 0.00105; ESP Exome Variant Server 0.00108; 1000 Genomes Project 30x 0.00250; 1000 Genomes Project 0.00260.
gnomAD v4.1: 297 of 1,614,082 alleles (0.018%); highest among the groups gnomAD compares: African/African-American, 0.36%; no homozygotes.

Submissions (18):

CeGaT Center for Human Genetics Tuebingen
Classification: Likely benign. Last evaluated: 2026-05-01. Review status: criteria provided, single submitter. Criteria: CeGaT Center For Human Genetics Tuebingen Variant Classification Criteria Version 2. Collection method: clinical testing. Allele origin: germline. Affected: yes. Observed: 3 variant alleles.
Comment: PALB2: BP4, BP7

Labcorp Genetics (formerly Invitae), Labcorp
Classification: Benign for Familial cancer of breast. Last evaluated: 2026-02-03. Review status: criteria provided, single submitter. Criteria: Invitae Variant Classification Sherloc (09022015). Collection method: clinical testing. Allele origin: germline.

ARUP Laboratories, Molecular Genetics and Genomics, ARUP Laboratories
Classification: Benign. Last evaluated: 2023-11-14. Review status: criteria provided, single submitter. Criteria: ARUP Molecular Germline Variant Investigation Process 2024. Collection method: clinical testing. Allele origin: germline.

Blueprint Genetics
Classification: Likely benign. Last evaluated: 2023-08-30. Review status: criteria provided, single submitter. Criteria: ACMG Guidelines, 2015. Collection method: clinical testing. Allele origin: germline.

Myriad Genetics, Inc.
Classification: Benign for Familial cancer of breast. Last evaluated: 2023-03-31. Review status: criteria provided, single submitter. Criteria: Myriad Autosomal Dominant, Autosomal Recessive and X-Linked Classification Criteria (2023). Collection method: clinical testing. Allele origin: unknown.
Comment: This variant is considered benign. This variant is a silent/synonymous amino acid change and it is not expected to impact splicing.

Sema4
Classification: Likely benign for Hereditary cancer-predisposing syndrome. Last evaluated: 2021-03-29. Review status: criteria provided, single submitter. Criteria: Sema4 Curation Guidelines. Collection method: curation. Allele origin: germline.

Genetic Services Laboratory, University of Chicago
Classification: Likely benign. Last evaluated: 2019-03-28. Review status: criteria provided, single submitter. Criteria: ACMG Guidelines, 2015. Collection method: clinical testing. Allele origin: germline. Affected: no.

Illumina Laboratory Services, Illumina
Classification: Likely benign for Fanconi anemia complementation group N. Last evaluated: 2017-04-27. Review status: criteria provided, single submitter. Criteria: ICSL Variant Classification Criteria 13 December 2019. Collection method: clinical testing. Allele origin: germline.
Comment: This variant was observed as part of a predisposition screen in an ostensibly healthy population. A literature search was performed for the gene, cDNA change, and amino acid change (where applicable). No publications were found based on this search. Allele frequency data from public databases allowed determination this variant is unlikely to cause disease. Therefore, this variant is classified as likely benign.

Color Diagnostics, LLC DBA Color Health
Classification: Likely benign for Hereditary cancer-predisposing syndrome. Last evaluated: 2015-10-26. Review status: criteria provided, single submitter. Criteria: ACMG Guidelines, 2015. Collection method: clinical testing. Allele origin: germline.

Ambry Genetics
Classification: Likely benign for Hereditary cancer-predisposing syndrome. Last evaluated: 2014-08-07. Review status: criteria provided, single submitter. Criteria: Ambry Variant Classification Scheme 2023. Collection method: clinical testing. Allele origin: germline.

GeneDx
Classification: Benign. Last evaluated: 2013-11-23. Review status: criteria provided, single submitter. Criteria: GeneDx Variant Classification (06012015). Collection method: clinical testing. Allele origin: germline. Affected: yes.
Comment: This variant is considered likely benign or benign based on one or more of the following criteria: it is a conservative change, it occurs at a poorly conserved position in the protein, it is predicted to be benign by multiple in silico algorithms, and/or has population frequency not consistent with disease.

PreventionGenetics, part of Exact Sciences
Classification: Likely benign. Review status: criteria provided, single submitter. Criteria: ACMG Guidelines, 2015. Collection method: clinical testing. Allele origin: germline.

Leiden Open Variation Database
Classification: Likely benign for Familial cancer of breast. Last evaluated: 2019-05-13. Review status: no assertion criteria provided. Collection method: curation. Allele origin: germline. Affected: yes. Not counted in ClinVar's aggregate classification.
Comment: Curators: Marc Tischkowitz, Arleen D. Auerbach. Submitter to LOVD: Marc Tischkowitz.

Counsyl
Classification: Likely benign for Familial cancer of breast. Last evaluated: 2016-01-27. Review status: no assertion criteria provided. Collection method: clinical testing. Allele origin: unknown. Not counted in ClinVar's aggregate classification.

Department of Pathology and Laboratory Medicine, Sinai Health System
Classification: Likely benign for Malignant tumor of breast. Review status: no assertion criteria provided. Collection method: clinical testing. Allele origin: unknown. Affected: yes. Study: The Canadian Open Genetics Repository (COGR). Not counted in ClinVar's aggregate classification.
Comment: The PALB2 p.Leu303= variant was identified in 2 of 5770 proband chromosomes (frequency: 0.0003) from individuals or families with prostate or breast cancer and was not identified in 520 control chromosomes from healthy individuals (Tischkowitz 2008, Zheng 2012). The variant was also identified in dbSNP (ID: rs145788619) as "With other allele", ClinVar (classified as benign by GeneDx and Invitae; as likely benign by Ambry Genetics, Counsyl, Color Genomics and one other clinical laboratory), and in LOVD 3.0 database (2x). The variant was not identified in Cosmic, MutDB, or the Zhejiang University database. The variant was identified in control databases in 96 of 277112 chromosomes at a frequency of 0.0003, increasing the likelihood this could be a low frequency benign variant (Genome Aggregation Database Feb 27, 2017). The variant was observed in the following populations: African in 86 of 24026 chromosomes (freq: 0.004), Latino in 9 of 34418 chromosomes (freq: 0.0003), and European in 1 of 126634 chromosomes (freq: 0.000008); it was not observed in the Other, Ashkenazi Jewish, East Asian, Finnish, or South Asian populations. The p.Leu303= variant is not expected to have clinical significance because it does not result in a change of amino acid and is not located in a known consensus splice site. In addition, in silico or computational prediction software programs (SpliceSiteFinder, MaxEntScan, NNSPLICE, GeneSplicer) do not predict a difference in splicing. In summary, based on the above information, the clinical significance of this variant cannot be determined with certainty at this time although we would lean towards a more benign role for this variant. This variant is classified as likely benign.

Genome Diagnostics Laboratory, Amsterdam University Medical Center
Classification: Benign. Review status: no assertion criteria provided. Collection method: clinical testing. Allele origin: germline. Affected: yes. Study: VKGL Data-share Consensus. Not counted in ClinVar's aggregate classification.

Joint Genome Diagnostic Labs from Nijmegen and Maastricht, Radboudumc and MUMC+
Classification: Likely benign. Review status: no assertion criteria provided. Collection method: clinical testing. Allele origin: germline. Affected: yes. Study: VKGL Data-share Consensus. Not counted in ClinVar's aggregate classification.

Laboratory of Diagnostic Genome Analysis, Leiden University Medical Center (LUMC)
Classification: Likely benign. Review status: no assertion criteria provided. Collection method: clinical testing. Allele origin: germline. Affected: yes. Study: VKGL Data-share Consensus. Not counted in ClinVar's aggregate classification.

Literature cited by the submitters: PubMed 18288683 (cited by 3 submitters); PubMed 21932393 (cited by Leiden Open Variation Database and Counsyl).